The following is an entry in ClinVar:

NM_001080517.3(SETD5):c.4132T>A (p.Ser1378Thr)

Gene: SETD5 (SET domain containing 5; plus strand). Cytogenetic location: 3p25.3.
Variant type: single nucleotide variant.
Coding change: c.4132T>A on transcript NM_001080517.3 (MANE Select); coding-DNA position 4132, T replaced by A.
Protein change: p.Ser1378Thr; replaces serine 1378 with threonine.
Molecular consequence: missense variant.
Genome position (GRCh38, 1-based): chr3:9,475,894, T>A. VCF-style: chr3-9475894-T-A. GRCh37 (hg19) VCF-style: chr3-9517578-T-A.
Other names: c.3838T>A, p.Ser1280Thr (NM_001292043.2, NM_001349451.2); short protein forms S1378T, S1280T.
Identifiers: ClinVar variation 2100058 (VCV002100058.4), dbSNP rs2473990807, ClinGen allele CA351694424.
Genomic context (GRCh38, chr3:9,475,894, plus strand): 5'-TCAGATTCAGTTTCTCAGTCCAGCACAGGAACTCTGAGTTCCACCTCCTTTCCTCAGAAC[T>A]CTAGGTCGTCATTGCCATCAGACTTACGGACTATCAGTCTGCCCAGTGCTGGGCAGTCAG-3'
Protein context (NP_001073986.1, residues 1368-1388): TLSSTSFPQN[Ser1378Thr]RSSLPSDLRT

ClinVar aggregate classification (germline): Uncertain significance (1 of 4 stars; one submission).

Submission:

Labcorp Genetics (formerly Invitae), Labcorp
Classification: Uncertain significance. Last evaluated: 2024-11-23. Review status: criteria provided, single submitter. Criteria: Invitae Variant Classification Sherloc (09022015). Collection method: clinical testing. Allele origin: germline.
Comment: This sequence change replaces serine, which is neutral and polar, with threonine, which is neutral and polar, at codon 1378 of the SETD5 protein (p.Ser1378Thr). This variant is not present in population databases (gnomAD no frequency). This variant has not been reported in the literature in individuals affected with SETD5-related conditions. ClinVar contains an entry for this variant (Variation ID: 2100058). Invitae Evidence Modeling of protein sequence and biophysical properties (such as structural, functional, and spatial information, amino acid conservation, physicochemical variation, residue mobility, and thermodynamic stability) indicates that this missense variant is not expected to disrupt SETD5 protein function with a negative predictive value of 80%. In summary, the available evidence is currently insufficient to determine the role of this variant in disease. Therefore, it has been classified as a Variant of Uncertain Significance.